The following is an entry in ClinVar:

NM_001252024.2(TRPM1):c.941C>T (p.Ala314Val)

Gene: TRPM1 (transient receptor potential cation channel subfamily M member 1; minus strand). Cytogenetic location: 15q13.3.
Variant type: single nucleotide variant.
Coding change: c.941C>T on transcript NM_001252024.2 (MANE Select); coding-DNA position 941, C replaced by T.
Protein change: p.Ala314Val; replaces alanine 314 with valine.
Molecular consequence: missense variant.
Genome position (GRCh38, 1-based): chr15:31,063,142, G>A on the plus strand (C>T on the coding strand, the complement: TRPM1 is on the minus strand). VCF-style: chr15-31063142-G-A. GRCh37 (hg19) VCF-style: chr15-31355345-G-A.
Other names: c.992C>T, p.Ala331Val (NM_001252020.2); c.875C>T, p.Ala292Val (NM_002420.6); short protein forms A331V, A314V, A292V.
Identifiers: ClinVar variation 837916 (VCV000837916.11), dbSNP rs763506869, ClinGen allele CA7452765.

ClinVar aggregate classification (germline): Uncertain significance. Review status: criteria provided, multiple submitters, no conflicts (2 of 4 stars). 2 submissions from 2 submitters: Uncertain significance (2). Last evaluated 2024-04-25.

Allele frequency attached by ClinVar (database versions not stated): TOPMed 0.00001.
gnomAD v4.1: 39 of 1,614,188 alleles (0.0024%); highest among the groups gnomAD compares: Non-Finnish European, 0.0031%; no homozygotes.

Submissions (2):

Blueprint Genetics
Classification: Uncertain significance. Last evaluated: 2024-04-25. Review status: criteria provided, single submitter. Criteria: ACMG Guidelines, 2015. Collection method: clinical testing. Allele origin: germline.

Labcorp Genetics (formerly Invitae), Labcorp
Classification: Uncertain significance. Last evaluated: 2019-12-28. Review status: criteria provided, single submitter. Criteria: Invitae Variant Classification Sherloc (09022015). Collection method: clinical testing. Allele origin: germline.
Comment: In summary, the available evidence is currently insufficient to determine the role of this variant in disease. Therefore, it has been classified as a Variant of Uncertain Significance. Algorithms developed to predict the effect of missense changes on protein structure and function are either unavailable or do not agree on the potential impact of this missense change (SIFT: "Tolerated"; PolyPhen-2: "Possibly Damaging"; Align-GVGD: "Class C0"). This variant has not been reported in the literature in individuals with TRPM1-related conditions. This variant is present in population databases (rs763506869, ExAC 0.002%). This sequence change replaces alanine with valine at codon 292 of the TRPM1 protein (p.Ala292Val). The alanine residue is highly conserved and there is a small physicochemical difference between alanine and valine.